The following is an entry in ClinVar:

ClinVar aggregate classification (germline): Conflicting classifications of pathogenicity. Review status: criteria provided, conflicting classifications (1 of 4 stars). 2 submissions from 2 submitters: Likely pathogenic (1); Uncertain significance (1). Last evaluated 2025-08-07.

Conditions:
Inborn genetic diseases. Identifiers: MedGen C0950123, MeSH D030342.

Submissions (2):

Ambry Genetics
Classification: Likely pathogenic for Inborn genetic diseases. Last evaluated: 2025-08-07. Review status: criteria provided, single submitter. Criteria: Ambry Variant Classification Scheme 2023. Collection method: clinical testing. Allele origin: germline.
Comment: The c.111C>G (p.S37R) alteration is located in exon 3 (coding exon 3) of the RORB gene. This alteration results from a C to G substitution at nucleotide position 111, causing the serine (S) at amino acid position 37 to be replaced by an arginine (R). This variant was not reported in population-based cohorts in the Genome Aggregation Database (gnomAD). This variant was identified in one or more individuals with features consistent with RORB-related neurodevelopmental disorder and segregated with disease in at least one family (Sadleir, 2020). This amino acid position is highly conserved in available vertebrate species. This missense alteration is located in a region that has a low rate of benign missense variation (Lek, 2016; Firth, 2009). This alteration is predicted to be deleterious by in silico analysis. Based on the available evidence, this alteration is classified as likely pathogenic.

GeneDx
Classification: Uncertain significance. Last evaluated: 2024-05-09. Review status: criteria provided, single submitter. Criteria: GeneDx Variant Classification Process June 2021. Collection method: clinical testing. Allele origin: germline. Affected: yes.
Comment: Not observed at significant frequency in large population cohorts (gnomAD); In silico analysis supports that this missense variant has a deleterious effect on protein structure/function; This variant is associated with the following publications: (PMID: 34768579, 32162308)

Literature cited by the submitters: PubMed 32162308 (cited by Ambry Genetics).

NM_006914.4(RORB):c.111C>G (p.Ser37Arg)

Gene: RORB (RAR related orphan receptor B; plus strand). Cytogenetic location: 9q21.13.
Variant type: single nucleotide variant.
Coding change: c.111C>G on transcript NM_006914.4 (MANE Select); coding-DNA position 111, C replaced by G.
Protein change: p.Ser37Arg; replaces serine 37 with arginine.
Molecular consequence: missense variant.
Genome position (GRCh38, 1-based): chr9:74,634,648, C>G. VCF-style: chr9-74634648-C-G. GRCh37 (hg19) VCF-style: chr9-77249564-C-G.
Other names: c.144C>G, p.Ser48Arg (NM_001365023.1); short protein forms S37R, S48R.
Identifiers: ClinVar variation 3375773 (VCV003375773.2).
Genomic context (GRCh38, chr9:74,634,648, plus strand): 5'-TTCTTATAAATCTGTTTCCCTCCCCTTCTCTTTTTCCCTCAAGGGATTCTTTAGGAGGAG[C>G]CAGCAGAACAATGCTTCTTATTCCTGCCCAAGGCAGAGAAACTGTTTAATTGACAGAACG-3'
Protein context (NP_008845.2, residues 27-47): CEGCKGFFRR[Ser37Arg]QQNNASYSCP